The following is an entry in ClinVar:

Conditions:
Arteriohepatic dysplasia. Also called: Alagille Syndrome. Identifiers: Orphanet 52, MedGen C0085280, MeSH D016738, MONDO:0007318.

Submission:

Gilbert/Spinner Lab, Children's Hospital of Philadelphia
No classification provided (evidence only). Condition: Alagille syndrome. Review status: no classification provided. Collection method: research. Allele origin: not applicable. Functional consequence: functionally_abnormal.
ClinVar note: "not provided" was previously submitted as the classification for the variant. However, the classification appeared to be based only on an observation of functional data so it was converted to no classification on 2025-07-30.

NM_000214.3(JAG1):c.548T>G (p.Ile183Ser)

Gene: JAG1 (jagged canonical Notch ligand 1; minus strand). Cytogenetic location: 20p12.2.
Variant type: single nucleotide variant.
Coding change: c.548T>G on transcript NM_000214.3 (MANE Select); coding-DNA position 548, T replaced by G.
Protein change: p.Ile183Ser; replaces isoleucine 183 with serine.
Molecular consequence: missense variant.
Genome position (GRCh38, 1-based): chr20:10,658,614, A>C on the plus strand (T>G on the coding strand, the complement: JAG1 is on the minus strand). VCF-style: chr20-10658614-A-C. GRCh37 (hg19) VCF-style: chr20-10639262-A-C.
Other names: short protein forms I183S.
Identifiers: ClinVar variation 3573057 (VCV003573057.2).